The following is an entry in ClinVar:

NM_018486.3(HDAC8):c.595T>A (p.Ser199Thr)

Gene: HDAC8 (histone deacetylase 8; minus strand). Cytogenetic location: Xq13.1.
Variant type: single nucleotide variant.
Coding change: c.595T>A on transcript NM_018486.3 (MANE Select); coding-DNA position 595, T replaced by A.
Protein change: p.Ser199Thr; replaces serine 199 with threonine.
Molecular consequence: missense variant. On other transcripts: non-coding transcript variant (1), intron variant (1).
Genome position (GRCh38, 1-based): chrX:72,490,962, A>T on the plus strand (T>A on the coding strand, the complement: HDAC8 is on the minus strand). VCF-style: chrX-72490962-A-T. GRCh37 (hg19) VCF-style: chrX-71710812-A-T.
Other names: c.322T>A, p.Ser108Thr (NM_001166418.2); c.595T>A, p.Ser199Thr (NM_001166419.2); c.278-1921T>A (NM_001166448.2); short protein forms S199T, S108T.
Identifiers: ClinVar variation 372994 (VCV000372994.1), dbSNP rs1057518126, ClinGen allele CA16043332.

ClinVar aggregate classification (germline): Likely pathogenic (1 of 4 stars; one submission).

Submission:

GeneDx
Classification: Likely pathogenic. Last evaluated: 2016-07-07. Review status: criteria provided, single submitter. Criteria: GeneDx Variant Classification (06012015). Collection method: clinical testing. Allele origin: germline. Affected: yes.
Comment: The S199T variant in the HDAC8 gene has not been reported previously as a pathogenic variant, nor as a benign variant, to our knowledge. The S199T variant was not observed in approximately 6,500 individuals of European and African American ancestry in the NHLBI Exome Sequencing Project, indicating it is not a common benign variant in these populations. The S199T variant is a conservative amino acid substitution, which is not likely to impact secondary protein structure as these residues share similar properties. However, this substitution occurs at a position that is conserved across species, and in silico analysis predicts this variant is probably damaging to the protein structure/function. Therefore, we interpret S199T as a likely pathogenic variant.